The following is an entry in ClinVar:

ClinVar aggregate classification (germline): Uncertain significance (1 of 4 stars; one submission).

Conditions:
CD2AP-related disorder. Also called: CD2AP-related condition.

gnomAD v4.1: 1 of 1,612,988 alleles (0.000062%); highest among the groups gnomAD compares: Non-Finnish European, 0.000085%; no homozygotes.

Submission:

PreventionGenetics, part of Exact Sciences
Classification: Uncertain significance for CD2AP-related condition. Last evaluated: 2023-10-11. Review status: criteria provided, single submitter. Criteria: ACMG Guidelines, 2015. Collection method: clinical testing. Allele origin: germline.
Comment: The CD2AP c.9C>G variant is predicted to result in the amino acid substitution p.Asp3Glu. To our knowledge, this variant has not been reported in the literature or in a large population database, indicating this variant is rare. At this time, the clinical significance of this variant is uncertain due to the absence of conclusive functional and genetic evidence.

NM_012120.3(CD2AP):c.9C>G (p.Asp3Glu)

Gene: CD2AP (CD2 associated protein; plus strand). Cytogenetic location: 6p12.3.
Variant type: single nucleotide variant.
Coding change: c.9C>G on transcript NM_012120.3 (MANE Select); coding-DNA position 9, C replaced by G.
Protein change: p.Asp3Glu; replaces aspartic acid 3 with glutamic acid.
Molecular consequence: missense variant.
Genome position (GRCh38, 1-based): chr6:47,503,284, C>G. VCF-style: chr6-47503284-C-G. GRCh37 (hg19) VCF-style: chr6-47471020-C-G.
Other names: short protein forms D3E.
Identifiers: ClinVar variation 2633918 (VCV002633918.1), dbSNP rs572687654, ClinGen allele CA363940097.
Genomic context (GRCh38, chr6:47,503,284, plus strand): 5'-TTTACAGTATTTTGTGAATTAGATTTTAGACATTTCGTTTTTTCCCCCTTTTTTAGTTGA[C>G]TATATTGTGGAGTATGACTATGATGCTGTACATGATGATGAATTAACTATTCGAGTTGGA-3'
Protein context (NP_036252.1, residues 1-13): MV[Asp3Glu]YIVEYDYDAV